The following is an entry in ClinVar:

ClinVar aggregate classification (germline): Benign. Review status: criteria provided, multiple submitters, no conflicts (2 of 4 stars). 20 submissions from 19 submitters: Benign (17). 3 of the submissions do not count toward it. Last evaluated 2026-02-04.

Conditions:
Cardiovascular phenotype. Identifiers: MedGen CN230736.
Dystrophin deficiency.
Becker muscular dystrophy (BMD). Also called: MUSCULAR DYSTROPHY, PSEUDOHYPERTROPHIC PROGRESSIVE, BECKER TYPE; Becker Muscular Dystrophy (BMD). Identifiers: Orphanet 98895, MedGen C0917713, MONDO:0010311, OMIM 300376.
Cardiomyopathy (CMYO). Also called: Cardiomyopathies. Identifiers: Orphanet 167848, MedGen C0878544, MONDO:0004994, HP:0001638. Inheritance: Various modes of inheritance.
Duchenne muscular dystrophy (DMD). Also called: Duchenne Muscular Dystrophy (DMD); MUSCULAR DYSTROPHY, PSEUDOHYPERTROPHIC PROGRESSIVE, DUCHENNE TYPE. Identifiers: Orphanet 98896, MedGen C0013264, MONDO:0010679, OMIM 310200.
Dilated cardiomyopathy 3B (CMD3B). Also called: CMD3B: DMD-Related Dilated Cardiomyopathy; CARDIOMYOPATHY, DILATED, X-LINKED; DMD-Associated Dilated Cardiomyopathy. Identifiers: Orphanet 154, MedGen C3668940, MONDO:0010542, OMIM 302045.

Allele frequency attached by ClinVar (database versions not stated): 1000 Genomes Project 30x 0.45702; gnomAD exomes 0.48637 and 0.52768; ExAC 0.51417; gnomAD 0.38423 and 0.36912; TOPMed 0.38102; 1000 Genomes Project 0.46517; ESP Exome Variant Server 0.33311.
gnomAD v4.1: 575,589 of 1,207,521 alleles (48%); highest among the groups gnomAD compares: East Asian, 69%; 96,016 homozygotes.

Submissions (20):

Labcorp Genetics (formerly Invitae), Labcorp
Classification: Benign for Duchenne muscular dystrophy. Last evaluated: 2026-02-04. Review status: criteria provided, single submitter. Criteria: Invitae Variant Classification Sherloc (09022015). Collection method: clinical testing. Allele origin: germline.

Mayo Clinic Laboratories, Mayo Clinic
Classification: Benign. Last evaluated: 2025-10-31. Review status: criteria provided, single submitter. Criteria: ACMG Guidelines, 2015. Collection method: clinical testing. Allele origin: germline. Observed: 991 variant alleles.

ARUP Laboratories, Molecular Genetics and Genomics, ARUP Laboratories
Classification: Benign. Last evaluated: 2025-07-23. Review status: criteria provided, single submitter. Criteria: ARUP Molecular Germline Variant Investigation Process 2024. Collection method: clinical testing. Allele origin: germline.

Molecular Diagnostic Laboratory for Inherited Cardiovascular Disease, Montreal Heart Institute
Classification: Benign. Last evaluated: 2025-04-09. Review status: criteria provided, single submitter. Criteria: ACMG Guidelines, 2015. Collection method: clinical testing. Allele origin: germline. Affected: no.

Blueprint Genetics
Classification: Benign. Last evaluated: 2024-11-28. Review status: criteria provided, single submitter. Criteria: ACMG Guidelines, 2015. Collection method: clinical testing. Allele origin: germline.

Genome-Nilou Lab
Classification: Benign for Dilated cardiomyopathy 3B. Last evaluated: 2021-07-30. Review status: criteria provided, single submitter. Criteria: ACMG Guidelines, 2015. Collection method: clinical testing. Allele origin: germline. Affected: no.

Genome-Nilou Lab
Classification: Benign for Duchenne muscular dystrophy. Last evaluated: 2021-07-30. Review status: criteria provided, single submitter. Criteria: ACMG Guidelines, 2015. Collection method: clinical testing. Allele origin: germline. Affected: no.

Women's Health and Genetics/Laboratory Corporation of America, LabCorp
Classification: Benign. Last evaluated: 2019-02-18. Review status: criteria provided, single submitter. Criteria: LabCorp Variant Classification Summary - May 2015. Collection method: clinical testing. Allele origin: germline.
Comment: Variant summary: DMD c.5234G>A (p.Arg1745His) results in a non-conservative amino acid change located in a spectrin repeat (IPR018159) of the encoded protein sequence. Three of five in-silico tools predict a damaging effect of the variant on protein function. The variant allele was found at a frequency of 0.51 in 199355 control chromosomes, suggesting that it is the major allele and therefore benign. Six ClinVar submissions from clinical diagnostic laboratories (evaluation after 2014) cite the variant as benign (5x) and once as likely benign. Based on the evidence outlined above, the variant was classified as benign.

Illumina Laboratory Services, Illumina
Classification: Benign for Dilated cardiomyopathy 3B. Last evaluated: 2018-01-13. Review status: criteria provided, single submitter. Criteria: ICSL Variant Classification Criteria 13 December 2019. Collection method: clinical testing. Allele origin: germline.
Comment: This variant was observed in the ICSL laboratory as part of a predisposition screen in an ostensibly healthy population. It had not been previously curated by ICSL or reported in the Human Gene Mutation Database (HGMD: prior to June 1st, 2018), and was therefore a candidate for classification through an automated scoring system. Utilizing variant allele frequency, disease prevalence and penetrance estimates, and inheritance mode, an automated score was calculated to assess if this variant is too frequent to cause the disease. Based on the score and internal cut-off values, a variant classified as benign is not then subjected to further curation. The score for this variant resulted in a classification of benign for this disease.

Phosphorus, Inc.
Classification: Benign for Duchenne muscular dystrophy. Last evaluated: 2017-08-01. Review status: criteria provided, single submitter. Criteria: ACMG Guidelines, 2015. Collection method: clinical testing. Allele origin: germline. Observed: 18 variant alleles.

Athena Diagnostics
Classification: Benign. Last evaluated: 2017-04-28. Review status: criteria provided, single submitter. Criteria: Athena Diagnostics Criteria. Collection method: clinical testing. Allele origin: germline.

Eurofins Ntd Llc (ga)
Classification: Benign. Last evaluated: 2016-05-11. Review status: criteria provided, single submitter. Criteria: EGL Classification Definitions 2015. Collection method: clinical testing. Allele origin: germline. Observed: 431 variant alleles, 102 heterozygotes, 113 homozygotes, 216 hemizygotes.

Ambry Genetics
Classification: Benign for Cardiovascular phenotype. Last evaluated: 2015-03-11. Review status: criteria provided, single submitter. Criteria: Ambry Variant Classification Scheme 2023. Collection method: clinical testing. Allele origin: germline.

Laboratory for Molecular Medicine, Mass General Brigham Personalized Medicine
Classification: Benign. Last evaluated: 2014-10-29. Review status: criteria provided, single submitter. Criteria: LMM Criteria. Collection method: clinical testing. Allele origin: germline. Observed: 308 variant alleles.
Comment: p.Arg1745His in exon 37 of DMD: This variant is not expected to have clinical si gnificance because it has been identified in 48% (3209/6728) of European America n chromosomes by the NHLBI Exome Sequencing Project (u/EVS/; dbSNP rs1801187).

GeneDx
Classification: Benign. Last evaluated: 2013-11-20. Review status: criteria provided, single submitter. Criteria: GeneDx Variant Classification (06012015). Collection method: clinical testing. Allele origin: germline. Affected: yes.
Comment: This variant is considered likely benign or benign based on one or more of the following criteria: it is a conservative change, it occurs at a poorly conserved position in the protein, it is predicted to be benign by multiple in silico algorithms, and/or has population frequency not consistent with disease.

Breakthrough Genomics
Classification: Benign. Review status: criteria provided, single submitter. Criteria: ACMG Guidelines, 2015. Collection method: not provided. Allele origin: germline. Inheritance: X-linked inheritance. Affected: yes.

PreventionGenetics, part of Exact Sciences
Classification: Benign. Review status: criteria provided, single submitter. Criteria: ACMG Guidelines, 2015. Collection method: clinical testing. Allele origin: germline.

Natera, Inc.
Classification: Benign for Becker muscular dystrophy; Cardiomyopathy; Duchenne muscular dystrophy; Dystrophin deficiency. Last evaluated: 2017-04-20. Review status: no assertion criteria provided. Collection method: clinical testing. Allele origin: germline. Not counted in ClinVar's aggregate classification.

Clinical Genetics, Academic Medical Center
Classification: Benign. Review status: no assertion criteria provided. Collection method: clinical testing. Allele origin: germline. Affected: yes. Study: VKGL Data-share Consensus. Not counted in ClinVar's aggregate classification.

Diagnostic Laboratory, Department of Genetics, University Medical Center Groningen
Classification: Benign. Review status: no assertion criteria provided. Collection method: clinical testing. Allele origin: germline. Affected: yes. Study: VKGL Data-share Consensus. Not counted in ClinVar's aggregate classification.

Literature cited by the submitters: PubMed 23757202 (cited by Phosphorus, Inc.).

NM_004006.3(DMD):c.5234G>A (p.Arg1745His)

Gene: DMD (dystrophin; minus strand). Cytogenetic location: Xp21.1.
Variant type: single nucleotide variant.
Coding change: c.5234G>A on transcript NM_004006.3 (MANE Select); coding-DNA position 5234, G replaced by A.
Protein change: p.Arg1745His; replaces arginine 1745 with histidine.
Molecular consequence: missense variant.
Genome position (GRCh38, 1-based): chrX:32,362,879, C>T on the plus strand (G>A on the coding strand, the complement: DMD is on the minus strand). VCF-style: chrX-32362879-C-T. GRCh37 (hg19) VCF-style: chrX-32380996-C-T.
Other names: p.R1745H:CGC>CAC; c.5210G>A, p.Arg1737His (NM_000109.4); c.5222G>A, p.Arg1741His (NM_004009.3); c.4865G>A, p.Arg1622His (NM_004010.3); c.1211G>A, p.Arg404His (NM_004011.4); c.1202G>A, p.Arg401His (NM_004012.4); short protein forms R1745H, R404H, R1622H, R1737H, R1741H, R401H.
Identifiers: ClinVar variation 94657 (VCV000094657.46), dbSNP rs1801187, ClinGen allele CA285580.